The following is an entry in ClinVar:

ClinVar aggregate classification (germline): Pathogenic (1 of 4 stars; one submission).

Conditions:
Inborn genetic diseases. Identifiers: MedGen C0950123, MeSH D030342.

Submission:

Ambry Genetics
Classification: Pathogenic for Inborn genetic diseases. Last evaluated: 2025-02-10. Review status: criteria provided, single submitter. Criteria: Ambry Variant Classification Scheme 2023. Collection method: clinical testing. Allele origin: germline.
Comment: The c.967_968dupCA (p.Q323Hfs*7) alteration, located in exon 8 (coding exon 8) of the PAX2 gene, consists of a duplication of CA at position 967, causing a translational frameshift with a predicted alternate stop codon after 7 amino acids. This alteration is expected to result in loss of function by premature protein truncation or nonsense-mediated mRNA decay. This variant was not reported in population-based cohorts in the Genome Aggregation Database (gnomAD). Based on the available evidence, this alteration is classified as pathogenic.

NM_000278.5(PAX2):c.898_899dup (p.Gln300fs)

Gene: PAX2 (paired box 2; plus strand). Cytogenetic location: 10q24.31.
Variant type: Microsatellite.
Coding change: c.898_899dup on transcript NM_000278.5 (MANE Select); coding-DNA positions 898 to 899, 2 bases duplicated (CA; older notation c.898_899dupCA).
Protein change: p.Gln300fs; shifts the reading frame from glutamine 300.
Molecular consequence: frameshift variant.
Genome position (GRCh38, 1-based): chr10:100,809,215-100,809,216, CA duplicated; duplicating any 2 consecutive bases within chr10:100,809,211-100,809,216 gives the same sequence; the c. name uses the placement nearest the transcript's 3' end. VCF-style (leftmost placement, unchanged base first): chr10-100809210-G-GCA. GRCh37 (hg19) VCF-style: chr10-102568967-G-GCA.
Other names: c.991_992dup, p.Gln331fs (NM_001304569.2); c.967_968dup, p.Gln323fs (NM_003987.5, NM_003990.5); c.898_899dup, p.Gln300fs (NM_003988.5, NM_003989.5); short protein forms Q300fs, Q323fs, Q331fs.
Identifiers: ClinVar variation 3885874 (VCV003885874.1).